The following is an entry in ClinVar:

NM_001267550.2(TTN):c.10751C>T (p.Ser3584Phe)

Gene: TTN (titin; minus strand). Cytogenetic location: 2q31.2.
Variant type: single nucleotide variant.
Coding change: c.10751C>T on transcript NM_001267550.2 (MANE Select); coding-DNA position 10751, C replaced by T.
Protein change: p.Ser3584Phe; replaces serine 3584 with phenylalanine.
Molecular consequence: missense variant. On other transcripts: intron variant (5).
Genome position (GRCh38, 1-based): chr2:178,756,725, G>A on the plus strand (C>T on the coding strand, the complement: TTN is on the minus strand). VCF-style: chr2-178756725-G-A. GRCh37 (hg19) VCF-style: chr2-179621452-G-A.
Other names: c.10238C>T, p.Ser3413Phe (NM_133437.4); c.10165+2259C>T (NM_003319.4); c.10540+817C>T (NM_133432.3); c.10303+2259C>T (NM_133378.4, NM_001256850.1, NM_133379.5); short protein forms S3413F, S3584F.
Identifiers: ClinVar variation 4873563 (VCV004873563.2).

ClinVar aggregate classification (germline): Uncertain significance (1 of 4 stars; one submission).

gnomAD v4.1: 2 of 1,613,658 alleles (0.00012%); highest among the groups gnomAD compares: Non-Finnish European, 0.00017%; no homozygotes.

Submission:

CeGaT Center for Human Genetics Tuebingen
Classification: Uncertain significance. Last evaluated: 2026-04-01. Review status: criteria provided, single submitter. Criteria: CeGaT Center For Human Genetics Tuebingen Variant Classification Criteria Version 2. Collection method: clinical testing. Allele origin: germline. Affected: yes. Observed: 1 variant allele.
Comment: TTN: PM2, BP4